The following is an entry in ClinVar:

NM_000321.3(RB1):c.2260G>C (p.Val754Leu)

Gene: RB1 (RB transcriptional corepressor 1; plus strand). Cytogenetic location: 13q14.2.
Variant type: single nucleotide variant.
Coding change: c.2260G>C on transcript NM_000321.3 (MANE Select); coding-DNA position 2260, G replaced by C.
Protein change: p.Val754Leu; replaces valine 754 with leucine.
Molecular consequence: missense variant.
Genome position (GRCh38, 1-based): chr13:48,465,046, G>C. VCF-style: chr13-48465046-G-C. GRCh37 (hg19) VCF-style: chr13-49039182-G-C.
Other names: short protein forms V754L.
Identifiers: ClinVar variation 135124 (VCV000135124.14), dbSNP rs587778642, ClinGen allele CA026436.

ClinVar aggregate classification (germline): Uncertain significance. Review status: criteria provided, multiple submitters, no conflicts (2 of 4 stars). 6 submissions from 6 submitters: Uncertain significance (5). 1 of the submissions does not count toward it. Last evaluated 2024-02-20.

Conditions:
Hereditary cancer-predisposing syndrome. Also called: Tumor predisposition; Hereditary neoplastic syndrome; Neoplastic Syndromes, Hereditary; Hereditary Cancer Syndrome. Identifiers: Orphanet 140162, MedGen C0027672, MeSH D009386, MONDO:0015356.
Retinoblastoma (RB1). Also called: RETINOBLASTOMA, SOMATIC. Identifiers: Orphanet 790, MedGen C0035335, MeSH D012175, MONDO:0008380, OMIM 180200, HP:0009919. Disease mechanism: loss of function. Inheritance: Both sporadic and heritable forms are tested..

gnomAD v4.1: 1 of 1,483,800 alleles (0.000067%); highest among the groups gnomAD compares: Non-Finnish European, 0.000091%; no homozygotes.

Submissions (6):

Ambry Genetics
Classification: Uncertain significance for Hereditary cancer-predisposing syndrome. Last evaluated: 2024-02-20. Review status: criteria provided, single submitter. Criteria: Ambry Variant Classification Scheme 2023. Collection method: clinical testing. Allele origin: germline.
Comment: The p.V754L variant (also known as c.2260G>C), located in coding exon 22 of the RB1 gene, results from a G to C substitution at nucleotide position 2260. The valine at codon 754 is replaced by leucine, an amino acid with highly similar properties. This amino acid position is well conserved in available vertebrate species. In addition, the in silico prediction for this alteration is inconclusive. Since supporting evidence is limited at this time, the clinical significance of this alteration remains unclear.

Labcorp Genetics (formerly Invitae), Labcorp
Classification: Uncertain significance for Retinoblastoma. Last evaluated: 2024-01-30. Review status: criteria provided, single submitter. Criteria: Invitae Variant Classification Sherloc (09022015). Collection method: clinical testing. Allele origin: germline.
Comment: This sequence change replaces valine, which is neutral and non-polar, with leucine, which is neutral and non-polar, at codon 754 of the RB1 protein (p.Val754Leu). This variant is not present in population databases (gnomAD no frequency). This variant has not been reported in the literature in individuals affected with RB1-related conditions. ClinVar contains an entry for this variant (Variation ID: 135124). Advanced modeling of protein sequence and biophysical properties (such as structural, functional, and spatial information, amino acid conservation, physicochemical variation, residue mobility, and thermodynamic stability) has been performed at Invitae for this missense variant, however the output from this modeling did not meet the statistical confidence thresholds required to predict the impact of this variant on RB1 protein function. In summary, the available evidence is currently insufficient to determine the role of this variant in disease. Therefore, it has been classified as a Variant of Uncertain Significance.

ARUP Laboratories, Molecular Genetics and Genomics, ARUP Laboratories
Classification: Uncertain significance. Last evaluated: 2023-12-21. Review status: criteria provided, single submitter. Criteria: ARUP Molecular Germline Variant Investigation Process 2024. Collection method: clinical testing. Allele origin: germline.
Comment: The RB1 c.2260G>C; p.Val754Leu variant (rs587778642), to our knowledge, is not reported in the medical literature in individuals affected with an RB1-related condition but is reported in ClinVar (Variation ID: 135124). This variant is absent from the Genome Aggregation Database (v2.1.1), indicating it is not a common polymorphism. Computational analyses are uncertain whether this variant is neutral or deleterious (REVEL: 0.551). Due to limited information, the clinical significance of this variant is uncertain at this time.

GeneDx
Classification: Uncertain significance. Last evaluated: 2023-10-03. Review status: criteria provided, single submitter. Criteria: GeneDx Variant Classification Process June 2021. Collection method: clinical testing. Allele origin: germline. Affected: yes.
Comment: Not observed at significant frequency in large population cohorts (gnomAD); In silico analysis supports that this missense variant does not alter protein structure/function; Observed in individuals with unilateral retinoblastoma and no relevant family history, as well as healthy individuals undergoing whole genome sequencing (Bodian et al., 2014; Xie et al., 2021); This variant is associated with the following publications: (PMID: 24728327, 34456592)

All of Us Research Program, National Institutes of Health
Classification: Uncertain significance for Retinoblastoma. Last evaluated: 2023-08-08. Review status: criteria provided, single submitter. Criteria: ACMG Guidelines, 2015. Collection method: clinical testing. Allele origin: germline. Inheritance: Autosomal dominant inheritance. Observed: 2 variant alleles, 2 heterozygotes.
Comment: This missense variant replaces valine with leucine at codon 754 of the RB1 protein. Computational prediction is inconclusive regarding the impact of this variant on protein structure and function (internally defined REVEL score threshold 0.5 < inconclusive < 0.7, PMID: 27666373). To our knowledge, functional studies have not been reported for this variant. This variant (same amino acid change, different nucleotide change) has been reported in individuals affected with retinoblastoma (PMID: 34456592). This variant has not been identified in the general population by the Genome Aggregation Database (gnomAD). The available evidence is insufficient to determine the role of this variant in disease conclusively. Therefore, this variant is classified as a Variant of Uncertain Significance.

This study involves interpretation of variants in research participants for the purpose of population health screening. Participant phenotype was not available at the time of variant classification. Additional details can be found in publication PMID: 35346344, PMCID: PMC8962531

ITMI
No classification provided. Condition: AllHighlyPenetrant. Last evaluated: 2013-09-19. Review status: no classification provided. Collection method: reference population. Allele origin: germline. Not counted in ClinVar's aggregate classification.
Comment: Please see associated publication for description of ethnicities

Literature cited by the submitters: PubMed 34456592 (cited by All of Us Research Program, National Institutes of Health); PubMed 24728327 (cited by ITMI).